The following is an entry in ClinVar:

NM_004863.4(SPTLC2):c.1579G>A (p.Glu527Lys)

Gene: SPTLC2 (serine palmitoyltransferase long chain base subunit 2; minus strand). Cytogenetic location: 14q24.3.
Variant type: single nucleotide variant.
Coding change: c.1579G>A on transcript NM_004863.4 (MANE Select); coding-DNA position 1579, G replaced by A.
Protein change: p.Glu527Lys; replaces glutamic acid 527 with lysine.
Molecular consequence: missense variant.
Genome position (GRCh38, 1-based): chr14:77,512,394, C>T on the plus strand (G>A on the coding strand, the complement: SPTLC2 is on the minus strand). VCF-style: chr14-77512394-C-T. GRCh37 (hg19) VCF-style: chr14-77978737-C-T.
Other names: short protein forms E527K.
Identifiers: ClinVar variation 2148866 (VCV002148866.4), dbSNP rs1368135928, ClinGen allele CA390699129.

ClinVar aggregate classification (germline): Uncertain significance (1 of 4 stars; one submission).

Conditions:
Neuropathy, hereditary sensory and autonomic, type 1C. Also called: HSAN IC; HSN IC. Identifiers: Orphanet 36386, MedGen C3150896, MONDO:0013337, OMIM 613640.

Allele frequency attached by ClinVar (database versions not stated): TOPMed below 0.00001; gnomAD 0.00001.
gnomAD v4.1: 1 of 1,614,088 alleles (0.000062%); highest among the groups gnomAD compares: Non-Finnish European, 0.000085%; no homozygotes.

Submission:

Labcorp Genetics (formerly Invitae), Labcorp
Classification: Uncertain significance for Neuropathy, hereditary sensory and autonomic, type 1C. Last evaluated: 2021-07-31. Review status: criteria provided, single submitter. Criteria: Invitae Variant Classification Sherloc (09022015). Collection method: clinical testing. Allele origin: germline.
Comment: In summary, the available evidence is currently insufficient to determine the role of this variant in disease. Therefore, it has been classified as a Variant of Uncertain Significance. Algorithms developed to predict the effect of missense changes on protein structure and function (SIFT, PolyPhen-2, Align-GVGD) all suggest that this variant is likely to be tolerated. This sequence change replaces glutamic acid with lysine at codon 527 of the SPTLC2 protein (p.Glu527Lys). The glutamic acid residue is moderately conserved and there is a small physicochemical difference between glutamic acid and lysine. This variant is not present in population databases (ExAC no frequency). This variant has not been reported in the literature in individuals affected with SPTLC2-related conditions.